The following is an entry in ClinVar:

ClinVar aggregate classification (germline): Uncertain significance. Review status: criteria provided, multiple submitters, no conflicts (2 of 4 stars). 2 submissions from 2 submitters: Uncertain significance (2). Last evaluated 2025-08-09.

Conditions:
Long QT syndrome (LQTS). Identifiers: MedGen C0023976, MeSH D008133, MONDO:0002442. Disease mechanism: loss of function. Inheritance: Various modes of inheritance.

gnomAD v4.1: 1 of 1,613,754 alleles (0.000062%); highest among the groups gnomAD compares: South Asian, 0.0011%; no homozygotes.

Submissions (2):

Labcorp Genetics (formerly Invitae), Labcorp
Classification: Uncertain significance for Long QT syndrome. Last evaluated: 2025-08-09. Review status: criteria provided, single submitter. Criteria: Invitae Variant Classification Sherloc (09022015). Collection method: clinical testing. Allele origin: germline.
Comment: This sequence change replaces valine, which is neutral and non-polar, with methionine, which is neutral and non-polar, at codon 809 of the ANK2 protein (p.Val809Met). This variant is not present in population databases (gnomAD no frequency). This variant has not been reported in the literature in individuals affected with ANK2-related conditions. Invitae Evidence Modeling of protein sequence and biophysical properties (such as structural, functional, and spatial information, amino acid conservation, physicochemical variation, residue mobility, and thermodynamic stability) indicates that this missense variant is not expected to disrupt ANK2 protein function with a negative predictive value of 80%. In summary, the available evidence is currently insufficient to determine the role of this variant in disease. Therefore, it has been classified as a Variant of Uncertain Significance.

GeneDx
Classification: Uncertain significance. Last evaluated: 2025-04-24. Review status: criteria provided, single submitter. Criteria: GeneDx Variant Classification Process June 2021. Collection method: clinical testing. Allele origin: germline. Affected: yes.
Comment: Not observed at significant frequency in large population cohorts (gnomAD); In silico analysis supports that this missense variant has a deleterious effect on protein structure/function; Has not been previously published as pathogenic or benign to our knowledge

NM_001148.6(ANK2):c.2425G>A (p.Val809Met)

Gene: ANK2 (ankyrin 2; plus strand). Cytogenetic location: 4q26.
Variant type: single nucleotide variant.
Coding change: c.2425G>A on transcript NM_001148.6 (MANE Select); coding-DNA position 2425, G replaced by A.
Protein change: p.Val809Met; replaces valine 809 with methionine.
Molecular consequence: missense variant.
Genome position (GRCh38, 1-based): chr4:113,293,488, G>A. VCF-style: chr4-113293488-G-A. GRCh37 (hg19) VCF-style: chr4-114214644-G-A.
Other names: c.2362G>A, p.Val788Met (NM_001127493.3, NM_001354239.2, NM_001354243.2 and 10 more transcripts); c.2425G>A, p.Val809Met (NM_001354225.2, NM_001354228.2, NM_001354232.2 and 6 more transcripts); c.2470G>A, p.Val824Met (NM_001354230.2, NM_001354231.2, NM_001354237.2 and 5 more transcripts); c.2326G>A, p.Val776Met (NM_001354245.2, NM_001354268.2); c.2338G>A, p.Val780Met (NM_001354249.2, NM_001354264.2, NM_001354266.2 and 10 more transcripts); c.2263G>A, p.Val755Met (NM_001354253.2, NM_001354257.2, NM_001354270.2 and 1 more transcripts); c.2239G>A, p.Val747Met (NM_001354260.2, NM_001354271.2, NM_001386151.1); c.2383G>A, p.Val795Met (NM_001354261.2, NM_001386147.1, NM_001386160.1); and 9 more; short protein forms V18M, V681M, V714M, V739M, V743M, V747M, V755M, V776M.
Identifiers: ClinVar variation 4527627 (VCV004527627.2).